The following is an entry in ClinVar:

ClinVar aggregate classification (germline): Uncertain significance (1 of 4 stars; one submission).

Conditions:
Nephronophthisis 9 (NPHP9). Identifiers: Orphanet 655, MedGen C3151188, MONDO:0013444, OMIM 613824.

Allele frequency attached by ClinVar (database versions not stated): gnomAD 0.00001.
gnomAD v4.1: 2 of 1,614,044 alleles (0.00012%); highest among the groups gnomAD compares: African/African-American, 0.0027%; no homozygotes.

Submission:

Labcorp Genetics (formerly Invitae), Labcorp
Classification: Uncertain significance for Nephronophthisis 9. Last evaluated: 2020-11-24. Review status: criteria provided, single submitter. Criteria: Invitae Variant Classification Sherloc (09022015). Collection method: clinical testing. Allele origin: germline.
Comment: In summary, the available evidence is currently insufficient to determine the role of this variant in disease. Therefore, it has been classified as a Variant of Uncertain Significance. Algorithms developed to predict the effect of sequence changes on RNA splicing suggest that this variant may create or strengthen a splice site, but this prediction has not been confirmed by published transcriptional studies. Algorithms developed to predict the effect of missense changes on protein structure and function (SIFT, PolyPhen-2, Align-GVGD) all suggest that this variant is likely to be disruptive, but these predictions have not been confirmed by published functional studies and their clinical significance is uncertain. This variant has not been reported in the literature in individuals with NEK8-related conditions. This variant is not present in population databases (ExAC no frequency). This sequence change replaces asparagine with lysine at codon 62 of the NEK8 protein (p.Asn62Lys). The asparagine residue is highly conserved and there is a moderate physicochemical difference between asparagine and lysine.

NM_178170.3(NEK8):c.186T>A (p.Asn62Lys)

Gene: NEK8 (NIMA related kinase 8; plus strand). Cytogenetic location: 17q11.2.
Variant type: single nucleotide variant.
Coding change: c.186T>A on transcript NM_178170.3 (MANE Select); coding-DNA position 186, T replaced by A.
Protein change: p.Asn62Lys; replaces asparagine 62 with lysine.
Molecular consequence: missense variant.
Genome position (GRCh38, 1-based): chr17:28,734,121, T>A. VCF-style: chr17-28734121-T-A. GRCh37 (hg19) VCF-style: chr17-27061139-T-A.
Other names: short protein forms N62K.
Identifiers: ClinVar variation 1468102 (VCV001468102.8), dbSNP rs2034337294, ClinGen allele CA398422408.